The following is an entry in ClinVar:

NM_005422.4(TECTA):c.2847T>G (p.Asn949Lys)

Genes: TBCEL-TECTA (TBCEL-TECTA readthrough; plus strand), TECTA (tectorin alpha; plus strand), LOC126861365 (P300/CBP strongly-dependent group 1 enhancer GRCh37_chr11:121000154-121001353; plus strand). Cytogenetic location: 11q23.3.
Variant type: single nucleotide variant.
Coding change: c.2847T>G on transcript NM_005422.4 (MANE Select); coding-DNA position 2847, T replaced by G.
Protein change: p.Asn949Lys; replaces asparagine 949 with lysine.
Molecular consequence: missense variant.
Genome position (GRCh38, 1-based): chr11:121,130,117, T>G. VCF-style: chr11-121130117-T-G. GRCh37 (hg19) VCF-style: chr11-121000826-T-G.
Other names: c.3804T>G, p.Asn1268Lys (NM_001378761.1); short protein forms N1268K, N949K.
Identifiers: ClinVar variation 4763755 (VCV004763755.1).

ClinVar aggregate classification (germline): Uncertain significance (1 of 4 stars; one submission).

Submission:

Labcorp Genetics (formerly Invitae), Labcorp
Classification: Uncertain significance. Last evaluated: 2025-02-11. Review status: criteria provided, single submitter. Criteria: Invitae Variant Classification Sherloc (09022015). Collection method: clinical testing. Allele origin: germline.
Comment: This sequence change replaces asparagine, which is neutral and polar, with lysine, which is basic and polar, at codon 949 of the TECTA protein (p.Asn949Lys). This variant is not present in population databases (gnomAD no frequency). This variant has not been reported in the literature in individuals affected with TECTA-related conditions. Invitae Evidence Modeling of protein sequence and biophysical properties (such as structural, functional, and spatial information, amino acid conservation, physicochemical variation, residue mobility, and thermodynamic stability) indicates that this missense variant is not expected to disrupt TECTA protein function with a negative predictive value of 95%. In summary, the available evidence is currently insufficient to determine the role of this variant in disease. Therefore, it has been classified as a Variant of Uncertain Significance.